The following is an entry in ClinVar:

NM_004333.6(BRAF):c.170C>T (p.Thr57Ile)

Gene: BRAF (B-Raf proto-oncogene, serine/threonine kinase; minus strand). Cytogenetic location: 7q34.
Variant type: single nucleotide variant.
Coding change: c.170C>T on transcript NM_004333.6 (MANE Select); coding-DNA position 170, C replaced by T.
Protein change: p.Thr57Ile; replaces threonine 57 with isoleucine.
Molecular consequence: missense variant. On other transcripts: intron variant (1).
Genome position (GRCh38, 1-based): chr7:140,850,181, G>A on the plus strand (C>T on the coding strand, the complement: BRAF is on the minus strand). VCF-style: chr7-140850181-G-A. GRCh37 (hg19) VCF-style: chr7-140549981-G-A.
Other names: c.170C>T, p.Thr57Ile (NM_001354609.2, NM_001374244.1, NM_001374258.1 and 6 more transcripts); c.14C>T, p.Thr5Ile (NM_001378472.1, NM_001378473.1); c.139-15309C>T (NM_001378470.1); short protein forms T57I, T5I.
Identifiers: ClinVar variation 3684149 (VCV003684149.2).
Genomic context (GRCh38, chr7:140,850,181, plus strand): 5'-ATTGATGGTGGATTATGCTCCCCACCAAATTTGTCCAATAGGGCCTCTATATGTTCCTGT[G>A]TCAACTTAATCATTTGTTTGATATTCCACACCTAAAAAATATTTCAAAAGAATTTAAATA-3'
Protein context (NP_004324.2, residues 47-67): VWNIKQMIKL[Thr57Ile]QEHIEALLDK

ClinVar aggregate classification (germline): Uncertain significance (1 of 4 stars; one submission).

Conditions:
RASopathy. Also called: rasopathies; Noonan spectrum disorder. Identifiers: Orphanet 536391, MedGen C5555857, MONDO:0021060.

gnomAD v4.1: 4 of 1,611,042 alleles (0.00025%); highest among the groups gnomAD compares: Non-Finnish European, 0.00034%; no homozygotes.

Submission:

Labcorp Genetics (formerly Invitae), Labcorp
Classification: Uncertain significance for RASopathy. Last evaluated: 2024-11-06. Review status: criteria provided, single submitter. Criteria: Invitae Variant Classification Sherloc (09022015). Collection method: clinical testing. Allele origin: germline.
Comment: This sequence change replaces threonine, which is neutral and polar, with isoleucine, which is neutral and non-polar, at codon 57 of the BRAF protein (p.Thr57Ile). This variant is not present in population databases (gnomAD no frequency). This variant has not been reported in the literature in individuals affected with BRAF-related conditions. Invitae Evidence Modeling of protein sequence and biophysical properties (such as structural, functional, and spatial information, amino acid conservation, physicochemical variation, residue mobility, and thermodynamic stability) indicates that this missense variant is expected to disrupt BRAF protein function with a positive predictive value of 95%. In summary, the available evidence is currently insufficient to determine the role of this variant in disease. Therefore, it has been classified as a Variant of Uncertain Significance.